The following is an entry in ClinVar:

ClinVar aggregate classification (germline): Uncertain significance (1 of 4 stars; one submission).

Allele frequency attached by ClinVar (database versions not stated): gnomAD exomes 0.00001 and 0.00002; ExAC 0.00002; gnomAD 0.00003 and 0.00005; TOPMed 0.00004.
gnomAD v4.1: 10 of 1,613,860 alleles (0.00062%); highest among the groups gnomAD compares: African/African-American, 0.0093%; no homozygotes.

Submission:

Labcorp Genetics (formerly Invitae), Labcorp
Classification: Uncertain significance. Last evaluated: 2023-08-28. Review status: criteria provided, single submitter. Criteria: Invitae Variant Classification Sherloc (09022015). Collection method: clinical testing. Allele origin: germline.
Comment: In summary, the available evidence is currently insufficient to determine the role of this variant in disease. Therefore, it has been classified as a Variant of Uncertain Significance. Algorithms developed to predict the effect of missense changes on protein structure and function output the following: SIFT: "Not Available"; PolyPhen-2: "Benign"; Align-GVGD: "Not Available". The alanine amino acid residue is found in multiple mammalian species, which suggests that this missense change does not adversely affect protein function. ClinVar contains an entry for this variant (Variation ID: 959630). This variant has not been reported in the literature in individuals affected with KIAA1549-related conditions. This variant is present in population databases (rs754588582, gnomAD 0.02%). This sequence change replaces valine, which is neutral and non-polar, with alanine, which is neutral and non-polar, at codon 442 of the KIAA1549 protein (p.Val442Ala).

NM_001164665.2(KIAA1549):c.1325T>C (p.Val442Ala)

Gene: KIAA1549 (KIAA1549; minus strand). Cytogenetic location: 7q34.
Variant type: single nucleotide variant.
Coding change: c.1325T>C on transcript NM_001164665.2 (MANE Select); coding-DNA position 1325, T replaced by C.
Protein change: p.Val442Ala; replaces valine 442 with alanine.
Molecular consequence: missense variant.
Genome position (GRCh38, 1-based): chr7:138,918,301, A>G on the plus strand (T>C on the coding strand, the complement: KIAA1549 is on the minus strand). VCF-style: chr7-138918301-A-G. GRCh37 (hg19) VCF-style: chr7-138603047-A-G.
Other names: c.1325T>C, p.Val442Ala (NM_020910.3); short protein forms V442A.
Identifiers: ClinVar variation 959630 (VCV000959630.8), dbSNP rs754588582, ClinGen allele CA4506752.